The following is an entry in ClinVar:

ClinVar aggregate classification (germline): Uncertain significance (1 of 4 stars; one submission).

Conditions:
Focal segmental glomerulosclerosis 5 (FSGS5). Identifiers: Orphanet 656, MedGen C2750475, MONDO:0013191, OMIM 613237.
Charcot-Marie-Tooth disease dominant intermediate E. Also called: CHARCOT-MARIE-TOOTH NEUROPATHY WITH FOCAL SEGMENTAL GLOMERULONEPHRITIS. Identifiers: Orphanet 93114, MedGen C4302667, MONDO:0013758, OMIM 614455.

gnomAD v4.1: 2 of 1,599,674 alleles (0.00013%); highest among the groups gnomAD compares: African/African-American, 0.0027%; no homozygotes.

Submission:

Labcorp Genetics (formerly Invitae), Labcorp
Classification: Uncertain significance for Charcot-Marie-Tooth disease dominant intermediate E; Focal segmental glomerulosclerosis 5. Last evaluated: 2024-09-12. Review status: criteria provided, single submitter. Criteria: Invitae Variant Classification Sherloc (09022015). Collection method: clinical testing. Allele origin: germline.
Comment: This sequence change replaces glycine, which is neutral and non-polar, with valine, which is neutral and non-polar, at codon 1203 of the INF2 protein (p.Gly1203Val). This variant is not present in population databases (gnomAD no frequency). This variant has not been reported in the literature in individuals affected with INF2-related conditions. Invitae Evidence Modeling of protein sequence and biophysical properties (such as structural, functional, and spatial information, amino acid conservation, physicochemical variation, residue mobility, and thermodynamic stability) indicates that this missense variant is not expected to disrupt INF2 protein function with a negative predictive value of 95%. In summary, the available evidence is currently insufficient to determine the role of this variant in disease. Therefore, it has been classified as a Variant of Uncertain Significance.

NM_022489.4(INF2):c.3608G>T (p.Gly1203Val)

Gene: INF2 (inverted formin 2; plus strand). Cytogenetic location: 14q32.33.
Variant type: single nucleotide variant.
Coding change: c.3608G>T on transcript NM_022489.4 (MANE Select); coding-DNA position 3608, G replaced by T.
Protein change: p.Gly1203Val; replaces glycine 1203 with valine.
Molecular consequence: missense variant. On other transcripts: non-coding transcript variant (1).
Genome position (GRCh38, 1-based): chr14:104,714,770, G>T. VCF-style: chr14-104714770-G-T. GRCh37 (hg19) VCF-style: chr14-105181107-G-T.
Other names: c.3608G>T, p.Gly1203Val (NM_001031714.4, NM_001426862.1, NM_001426863.1 and 2 more transcripts); short protein forms G1203V.
Identifiers: ClinVar variation 3748315 (VCV003748315.2).